The following is an entry in ClinVar:

NM_000051.4(ATM):c.4536T>C (p.Ala1512=)

Gene: ATM (ATM serine/threonine kinase; plus strand). Cytogenetic location: 11q22.3.
Variant type: single nucleotide variant.
Coding change: c.4536T>C on transcript NM_000051.4 (MANE Select); coding-DNA position 4536, T replaced by C.
Protein change: p.Ala1512=; no amino-acid change (alanine 1512 retained).
Molecular consequence: synonymous variant.
Genome position (GRCh38, 1-based): chr11:108,292,718, T>C. VCF-style: chr11-108292718-T-C. GRCh37 (hg19) VCF-style: chr11-108163445-T-C.
Other names: c.4536T>C, p.Ala1512= (NM_001351834.2).
Identifiers: ClinVar variation 490574 (VCV000490574.15), dbSNP rs1555099909, ClinGen allele CA476674194.

ClinVar aggregate classification (germline): Benign/Likely benign. Review status: criteria provided, multiple submitters, no conflicts (2 of 4 stars). 4 submissions from 4 submitters: Benign (1); Likely benign (3). Last evaluated 2025-03-22.

Conditions:
Hereditary cancer-predisposing syndrome. Also called: Tumor predisposition; Neoplastic Syndromes, Hereditary; Hereditary Cancer Syndrome; Hereditary neoplastic syndrome. Identifiers: Orphanet 140162, MedGen C0027672, MeSH D009386, MONDO:0015356.
Familial cancer of breast. Also called: BREAST CANCER, FAMILIAL; hereditary breast carcinoma; Hereditary breast cancer. Identifiers: Orphanet 227535, MedGen C0346153, MONDO:0016419, OMIM 114480. Disease mechanism: loss of function.
Ataxia-telangiectasia syndrome (AT). Also called: Ataxia-telangiectasia; Ataxia-telangiectasia, complementation group D; AT, COMPLEMENTATION GROUP C; LOUIS-BAR SYNDROME; Cerebello-oculocutaneous telangiectasia; Immunodeficiency with ataxia telangiectasia. Identifiers: Orphanet 100, MedGen C0004135, MONDO:0008840, OMIM 208900.

Submissions (4):

Labcorp Genetics (formerly Invitae), Labcorp
Classification: Likely benign for Ataxia-telangiectasia syndrome. Last evaluated: 2025-03-22. Review status: criteria provided, single submitter. Criteria: Invitae Variant Classification Sherloc (09022015). Collection method: clinical testing. Allele origin: germline.

Myriad Genetics, Inc.
Classification: Benign for Familial cancer of breast. Last evaluated: 2024-05-20. Review status: criteria provided, single submitter. Criteria: Myriad Autosomal Dominant, Autosomal Recessive and X-Linked Classification Criteria (2023). Collection method: clinical testing. Allele origin: unknown.
Comment: This variant is considered benign. This variant is a silent/synonymous amino acid change and it is not expected to impact splicing.

Ambry Genetics
Classification: Likely benign for Hereditary cancer-predisposing syndrome. Last evaluated: 2022-06-04. Review status: criteria provided, single submitter. Criteria: Ambry Variant Classification Scheme 2023. Collection method: clinical testing. Allele origin: germline.

Color Diagnostics, LLC DBA Color Health
Classification: Likely benign for Hereditary cancer-predisposing syndrome. Last evaluated: 2017-05-22. Review status: criteria provided, single submitter. Criteria: ACMG Guidelines, 2015. Collection method: clinical testing. Allele origin: germline.